The following is an entry in ClinVar:

ClinVar aggregate classification (germline): Uncertain significance (1 of 4 stars; one submission).

Allele frequency attached by ClinVar (database versions not stated): TOPMed 0.00001.
gnomAD v4.1: 3 of 1,598,022 alleles (0.00019%); highest among the groups gnomAD compares: Non-Finnish European, 0.000085%; no homozygotes.

Submission:

Labcorp Genetics (formerly Invitae), Labcorp
Classification: Uncertain significance. Last evaluated: 2022-06-13. Review status: criteria provided, single submitter. Criteria: Invitae Variant Classification Sherloc (09022015). Collection method: clinical testing. Allele origin: germline.
Comment: This sequence change replaces arginine, which is basic and polar, with cysteine, which is neutral and slightly polar, at codon 365 of the CYFIP2 protein (p.Arg365Cys). In summary, the available evidence is currently insufficient to determine the role of this variant in disease. Therefore, it has been classified as a Variant of Uncertain Significance. Algorithms developed to predict the effect of missense changes on protein structure and function are either unavailable or do not agree on the potential impact of this missense change (SIFT: "Deleterious"; PolyPhen-2: "Not Available"; Align-GVGD: "Class C0"). This variant has not been reported in the literature in individuals affected with CYFIP2-related conditions. This variant is not present in population databases (gnomAD no frequency).

NM_001037333.3(CYFIP2):c.1093C>T (p.Arg365Cys)

Gene: CYFIP2 (cytoplasmic FMR1 interacting protein 2; plus strand). Cytogenetic location: 5q33.3.
Variant type: single nucleotide variant.
Coding change: c.1093C>T on transcript NM_001037333.3 (MANE Select); coding-DNA position 1093, C replaced by T.
Protein change: p.Arg365Cys; replaces arginine 365 with cysteine.
Molecular consequence: missense variant.
Genome position (GRCh38, 1-based): chr5:157,311,764, C>T. VCF-style: chr5-157311764-C-T. GRCh37 (hg19) VCF-style: chr5-156738772-C-T.
Other names: c.1015C>T, p.Arg339Cys (NM_001291721.2); c.1093C>T, p.Arg365Cys (NM_001291722.2, NM_014376.4); short protein forms R365C, R339C.
Identifiers: ClinVar variation 2112874 (VCV002112874.4), dbSNP rs1478185896, ClinGen allele CA361968139.